The following is an entry in ClinVar:

NM_017791.3(FLVCR2):c.728G>C (p.Arg243Pro)

Gene: FLVCR2 (FLVCR choline and putative heme transporter 2; plus strand). Cytogenetic location: 14q24.3.
Variant type: single nucleotide variant.
Coding change: c.728G>C on transcript NM_017791.3 (MANE Select); coding-DNA position 728, G replaced by C.
Protein change: p.Arg243Pro; replaces arginine 243 with proline.
Molecular consequence: missense variant.
Genome position (GRCh38, 1-based): chr14:75,622,137, G>C. VCF-style: chr14-75622137-G-C. GRCh37 (hg19) VCF-style: chr14-76088480-G-C.
Other names: c.113G>C, p.Arg38Pro (NM_001195283.2); short protein forms R243P, R38P.
Identifiers: ClinVar variation 3372805 (VCV003372805.1).

ClinVar aggregate classification (germline): Uncertain significance (1 of 4 stars; one submission).

gnomAD v4.1: 7 of 1,613,878 alleles (0.00043%); highest among the groups gnomAD compares: Admixed American, 0.01%; no homozygotes.

Submission:

GeneDx
Classification: Uncertain significance. Last evaluated: 2024-05-01. Review status: criteria provided, single submitter. Criteria: GeneDx Variant Classification Process June 2021. Collection method: clinical testing. Allele origin: germline. Affected: yes.
Comment: Not observed at significant frequency in large population cohorts (gnomAD); In silico analysis indicates that this missense variant does not alter protein structure/function; Has not been previously published as pathogenic or benign to our knowledge